The following is an entry in ClinVar:

NM_000214.3(JAG1):c.1307G>A (p.Cys436Tyr)

Gene: JAG1 (jagged canonical Notch ligand 1; minus strand). Cytogenetic location: 20p12.2.
Variant type: single nucleotide variant.
Coding change: c.1307G>A on transcript NM_000214.3 (MANE Select); coding-DNA position 1307, G replaced by A.
Protein change: p.Cys436Tyr; replaces cysteine 436 with tyrosine.
Molecular consequence: missense variant.
Genome position (GRCh38, 1-based): chr20:10,649,563, C>T on the plus strand (G>A on the coding strand, the complement: JAG1 is on the minus strand). VCF-style: chr20-10649563-C-T. GRCh37 (hg19) VCF-style: chr20-10630211-C-T.
Other names: c.1307G>A, p.Cys436Tyr (LRG_1191t1); c.1307G>A (NM_000214.2); short protein forms C436Y.
Identifiers: ClinVar variation 595972 (VCV000595972.7), dbSNP rs1568796900, ClinGen allele CA408238179.

ClinVar aggregate classification (germline): Uncertain significance. Review status: criteria provided, multiple submitters, no conflicts (2 of 4 stars). 3 submissions from 3 submitters: Uncertain significance (3). Last evaluated 2026-04-19.

Conditions:
JAG1-related disorder. Also called: JAG1-related condition; JAG1-related disorders.
Alagille syndrome due to a JAG1 point mutation. Also called: Alagille Syndrome 1; HEPATIC DUCTULAR HYPOPLASIA, SYNDROMATIC; JAG1-Related Alagille Syndrome. Identifiers: Orphanet 261619, Orphanet 52, MedGen C1956125, MONDO:0016862, OMIM 118450.

Submissions (3):

PreventionGenetics, part of Exact Sciences
Classification: Uncertain significance for JAG1-related condition. Last evaluated: 2026-04-19. Review status: criteria provided, single submitter. Criteria: ACMG Guidelines, 2015. Collection method: clinical testing. Allele origin: germline.
Comment: The JAG1 c.1307G>A variant is predicted to result in the amino acid substitution p.Cys436Tyr. To our knowledge, this variant has not been reported in the literature or in a large population database (gnomAD), indicating this variant is rare. At this time, the clinical significance of this variant is uncertain due to the absence of conclusive functional and genetic evidence.

Labcorp Genetics (formerly Invitae), Labcorp
Classification: Uncertain significance for Alagille syndrome due to a JAG1 point mutation. Last evaluated: 2025-10-22. Review status: criteria provided, single submitter. Criteria: Invitae Variant Classification Sherloc (09022015). Collection method: clinical testing. Allele origin: germline.
Comment: This sequence change replaces cysteine, which is neutral and slightly polar, with tyrosine, which is neutral and polar, at codon 436 of the JAG1 protein (p.Cys436Tyr). This variant is not present in population databases (gnomAD no frequency). This variant has not been reported in the literature in individuals affected with JAG1-related conditions. ClinVar contains an entry for this variant (Variation ID: 595972). Invitae Evidence Modeling of protein sequence and biophysical properties (such as structural, functional, and spatial information, amino acid conservation, physicochemical variation, residue mobility, and thermodynamic stability) indicates that this missense variant is expected to disrupt JAG1 protein function with a positive predictive value of 80%. In summary, the available evidence is currently insufficient to determine the role of this variant in disease. Therefore, it has been classified as a Variant of Uncertain Significance.

Eurofins Ntd Llc (ga)
Classification: Uncertain significance. Last evaluated: 2018-02-01. Review status: criteria provided, single submitter. Criteria: EGL Classification Definitions 2015. Collection method: clinical testing. Allele origin: germline. Observed: 1 variant allele, 1 heterozygote.